The following is an entry in ClinVar:

NM_017617.5(NOTCH1):c.2069G>A (p.Gly690Glu)

Gene: NOTCH1 (notch receptor 1; minus strand). Cytogenetic location: 9q34.3.
Variant type: single nucleotide variant.
Coding change: c.2069G>A on transcript NM_017617.5 (MANE Select); coding-DNA position 2069, G replaced by A.
Protein change: p.Gly690Glu; replaces glycine 690 with glutamic acid.
Molecular consequence: missense variant.
Genome position (GRCh38, 1-based): chr9:136,514,648, C>T on the plus strand (G>A on the coding strand, the complement: NOTCH1 is on the minus strand). VCF-style: chr9-136514648-C-T. GRCh37 (hg19) VCF-style: chr9-139409100-C-T.
Other names: short protein forms G690E.
Identifiers: ClinVar variation 3921036 (VCV003921036.1).
Genomic context (GRCh38, chr9:136,514,648, plus strand): 5'-TCGTGGTAGCCCTCGGGGCAGCGGCAGGTGAAGCCATTGATGCCGTCCTCGCAGGTGCCC[C>T]CGTTGTGGCAGGGGTTGCCCGCACACTCATCGATGTTGATGTTACACATGCTCCCTAAGG-3'
Protein context (NP_060087.3, residues 680-700): DECAGNPCHN[Gly690Glu]GTCEDGINGF

ClinVar aggregate classification (germline): Uncertain significance (1 of 4 stars; one submission).

Conditions:
Familial thoracic aortic aneurysm and aortic dissection (TAAD). Also called: Thoracic aortic aneurysms and dissections. Identifiers: Orphanet 91387, MedGen C4707243, MONDO:0019625.

gnomAD v4.1: 3 of 1,612,614 alleles (0.00019%); highest among the groups gnomAD compares: Non-Finnish European, 0.00025%; no homozygotes.

Submission:

Ambry Genetics
Classification: Uncertain significance for Familial thoracic aortic aneurysm and aortic dissection. Last evaluated: 2025-03-23. Review status: criteria provided, single submitter. Criteria: Ambry Variant Classification Scheme 2023. Collection method: clinical testing. Allele origin: germline.
Comment: The p.G690E variant (also known as c.2069G>A), located in coding exon 13 of the NOTCH1 gene, results from a G to A substitution at nucleotide position 2069. The glycine at codon 690 is replaced by glutamic acid, an amino acid with similar properties. This amino acid position is conserved. In addition, this alteration is predicted to be deleterious by in silico analysis. Based on the available evidence, the clinical significance of this variant remains unclear.